The following is an entry in ClinVar:

ClinVar aggregate classification (germline): Uncertain significance. Review status: criteria provided, multiple submitters, no conflicts (2 of 4 stars). 2 submissions from 2 submitters: Uncertain significance (2). Last evaluated 2021-09-22.

Conditions:
Ventricular arrhythmias due to cardiac ryanodine receptor calcium release deficiency syndrome. Also called: Autosomal dominant cardiac arrhythmia (Kuhn). Identifiers: MedGen C5542154, MONDO:0020745, OMIM 115000.
Arrhythmogenic right ventricular dysplasia 2. Identifiers: MedGen C1832931.
Catecholaminergic polymorphic ventricular tachycardia 1. Also called: VENTRICULAR TACHYCARDIA, CATECHOLAMINERGIC POLYMORPHIC, 1, WITH OR WITHOUT ATRIAL DYSFUNCTION AND/OR DILATED CARDIOMYOPATHY; VENTRICULAR TACHYCARDIA, STRESS-INDUCED POLYMORPHIC 1; RYR2-Related Catecholaminergic Polymorphic Ventricular Tachycardia. Identifiers: Orphanet 3286, MedGen C1631597, MONDO:0011484, OMIM 604772.

Submissions (2):

Fulgent Genetics
Classification: Uncertain significance for Ventricular arrhythmias due to cardiac ryanodine receptor calcium release deficiency syndrome; Catecholaminergic polymorphic ventricular tachycardia 1. Last evaluated: 2021-09-22. Review status: criteria provided, single submitter. Criteria: ACMG Guidelines, 2015. Collection method: clinical testing. Allele origin: unknown.

Labcorp Genetics (formerly Invitae), Labcorp
Classification: Uncertain significance for Catecholaminergic polymorphic ventricular tachycardia 1. Last evaluated: 2019-08-02. Review status: criteria provided, single submitter. Criteria: Invitae Variant Classification Sherloc (09022015). Collection method: clinical testing. Allele origin: germline.
Comment: In summary, the available evidence is currently insufficient to determine the role of this variant in disease. Therefore, it has been classified as a Variant of Uncertain Significance. Algorithms developed to predict the effect of missense changes on protein structure and function are either unavailable or do not agree on the potential impact of this missense change (SIFT: "Deleterious"; PolyPhen-2: "Benign"; Align-GVGD: "Class C0"). This variant has not been reported in the literature in individuals with RYR2-related conditions. This variant is not present in population databases (ExAC no frequency). This sequence change replaces methionine with isoleucine at codon 393 of the RYR2 protein (p.Met393Ile). The methionine residue is highly conserved and there is a small physicochemical difference between methionine and isoleucine.

NM_001035.3(RYR2):c.1179G>A (p.Met393Ile)

Gene: RYR2 (ryanodine receptor 2; plus strand). Cytogenetic location: 1q43.
Variant type: single nucleotide variant.
Coding change: c.1179G>A on transcript NM_001035.3 (MANE Select); coding-DNA position 1179, G replaced by A.
Protein change: p.Met393Ile; replaces methionine 393 with isoleucine.
Molecular consequence: missense variant.
Genome position (GRCh38, 1-based): chr1:237,445,409, G>A. VCF-style: chr1-237445409-G-A. GRCh37 (hg19) VCF-style: chr1-237608709-G-A.
Other names: short protein forms M393I.
Identifiers: ClinVar variation 959866 (VCV000959866.12), dbSNP rs80313920, ClinGen allele CA39779719.